The following is an entry in ClinVar:

NM_000304.4(PMP22):c.320-2210G>A

Gene: PMP22 (peripheral myelin protein 22; minus strand). Cytogenetic location: 17p12.
Variant type: single nucleotide variant.
Coding change: c.320-2210G>A on transcript NM_000304.4 (MANE Select); 2210 bases into the intron before coding-DNA position 320, G replaced by A.
Molecular consequence: intron variant.
Genome position (GRCh38, 1-based): chr17:15,233,290, C>T on the plus strand (G>A on the coding strand, the complement: PMP22 is on the minus strand). VCF-style: chr17-15233290-C-T. GRCh37 (hg19) VCF-style: chr17-15136607-C-T.
Other names: c.320-2210G>A (NM_001281456.2, NM_153321.3, NM_001281455.2 and 1 more transcripts).
Identifiers: ClinVar variation 1879362 (VCV001879362.29), dbSNP rs570112249, ClinGen allele CA288864735.
Genomic context (GRCh38, chr17:15,233,290, plus strand): 5'-TGTGGCAAGGGTAAGTGAGGCCCTGAGGCACAGGCAGATGTTCTGCTCTTTGGCAATGAC[C>T]GGGACTCCCTGGTAGGGGCCTGAGTCTGGGAGCATAGGTCATCTTTAAGCAGAAGGACAC-3'

ClinVar aggregate classification (germline): Likely benign (1 of 4 stars; one submission).

gnomAD v4.1: 61 of 152,152 alleles (0.04%); highest among the groups gnomAD compares: Non-Finnish European, 0.059%; no homozygotes.

Submission:

CeGaT Center for Human Genetics Tuebingen
Classification: Likely benign. Last evaluated: 2026-08-01. Review status: criteria provided, single submitter. Criteria: CeGaT Center For Human Genetics Tuebingen Variant Classification Criteria Version 2. Collection method: clinical testing. Allele origin: germline. Affected: yes. Observed: 2 variant alleles.
Comment: PMP22: BS2